The following is an entry in ClinVar:

ClinVar aggregate classification (germline): Uncertain significance. Review status: criteria provided, multiple submitters, no conflicts (2 of 4 stars). 2 submissions from 2 submitters: Uncertain significance (2). Last evaluated 2025-06-27.

Conditions:
POLD1-related polyposis and colorectal cancer syndrome (CRCS10). Also called: Colorectal cancer, susceptibility to, 10; Colorectal cancer 10; COLORECTAL CANCER, SUSCEPTIBILITY TO, ON CHROMOSOME 19q. Identifiers: Orphanet 220460, MedGen C2675481, MONDO:0012953, OMIM 612591.
Hereditary cancer-predisposing syndrome. Also called: Hereditary Cancer Syndrome; Hereditary neoplastic syndrome; Neoplastic Syndromes, Hereditary; Tumor predisposition. Identifiers: Orphanet 140162, MedGen C0027672, MeSH D009386, MONDO:0015356.

Allele frequency attached by ClinVar (database versions not stated): gnomAD 0.00001; TOPMed 0.00001.
gnomAD v4.1: 3 of 1,586,268 alleles (0.00019%); highest among the groups gnomAD compares: Non-Finnish European, 0.00026%; no homozygotes.

Submissions (2):

Ambry Genetics
Classification: Uncertain significance for Hereditary cancer-predisposing syndrome. Last evaluated: 2025-06-27. Review status: criteria provided, single submitter. Criteria: Ambry Variant Classification Scheme 2023. Collection method: clinical testing. Allele origin: germline.
Comment: The c.970+1G>T intronic variant results from a G to T substitution one nucleotide after coding exon 7 of the POLD1 gene. This nucleotide position is highly conserved in available vertebrate species. Alterations that disrupt the canonical splice site are expected to cause aberrant splicing, resulting in an abnormal protein or a transcript that is subject to nonsense-mediated mRNA decay. However, loss of function of POLD1 has not been established as a mechanism of disease. Based on the available evidence, the clinical significance of this alteration remains unclear.

Labcorp Genetics (formerly Invitae), Labcorp
Classification: Uncertain significance for POLD1-related polyposis and colorectal cancer syndrome. Last evaluated: 2024-09-06. Review status: criteria provided, single submitter. Criteria: Invitae Variant Classification Sherloc (09022015). Collection method: clinical testing. Allele origin: germline.
Comment: This sequence change affects a donor splice site in intron 8 of the POLD1 gene. Missense variants that disrupt the 3'-5' exonuclease (proof-reading) activity of the POLD1 protein are associated with PPAP (polymerase proofreading–associated polyposis) (PMID: 23263490, 23447401). However, loss-of-function variants that result in an absent or severely disrupted POLD1 protein, and missense variants outside the exonuclease domain, are unlikely to be associated with PPAP. This variant is not present in population databases (gnomAD no frequency). This variant has not been reported in the literature in individuals affected with POLD1-related conditions. ClinVar contains an entry for this variant (Variation ID: 823424). Algorithms developed to predict the effect of sequence changes on RNA splicing suggest that this variant may disrupt the consensus splice site. In summary, the available evidence is currently insufficient to determine the role of this variant in disease. Therefore, it has been classified as a Variant of Uncertain Significance.

Literature cited by the submitters: PubMed 23263490 (cited by Labcorp Genetics (formerly Invitae), Labcorp); PubMed 23447401 (cited by Labcorp Genetics (formerly Invitae), Labcorp).

NM_002691.4(POLD1):c.970+1G>T

Gene: POLD1 (DNA polymerase delta 1, catalytic subunit; plus strand). Cytogenetic location: 19q13.33.
Variant type: single nucleotide variant.
Coding change: c.970+1G>T on transcript NM_002691.4 (MANE Select); the canonical splice donor site of the intron after coding-DNA position 970, G replaced by T.
Molecular consequence: splice donor variant.
Genome position (GRCh38, 1-based): chr19:50,402,742, G>T. VCF-style: chr19-50402742-G-T. GRCh37 (hg19) VCF-style: chr19-50905999-G-T.
Other names: c.970+1G>T (NM_001256849.1, NM_001308632.1).
Identifiers: ClinVar variation 823424 (VCV000823424.7), dbSNP rs1337231648, ClinGen allele CA406977503.
Genomic context (GRCh38, chr19:50,402,742, plus strand): 5'-GGCAGCGCATTGCGCCCTTGCGCGTGCTCAGCTTCGATATCGAGTGCGCCGGCCGCAAAG[G>T]TCTGTCCCCGGGCCCGGGCTCCTGCCCGCCTCATTGATGTGCCAAGTCGGGGGTCGGAAA-3'